The following is an entry in ClinVar:

NM_020738.4(KIDINS220):c.1719C>T (p.Leu573=)

Gene: KIDINS220 (kinase D interacting substrate 220; minus strand). Cytogenetic location: 2p25.1.
Variant type: single nucleotide variant.
Coding change: c.1719C>T on transcript NM_020738.4 (MANE Select); coding-DNA position 1719, C replaced by T.
Protein change: p.Leu573=; no amino-acid change (leucine 573 retained).
Molecular consequence: synonymous variant. On other transcripts: non-coding transcript variant (2).
Genome position (GRCh38, 1-based): chr2:8,788,715, G>A on the plus strand (C>T on the coding strand, the complement: KIDINS220 is on the minus strand). VCF-style: chr2-8788715-G-A. GRCh37 (hg19) VCF-style: chr2-8928845-G-A.
Other names: c.1719C>T (NM_020738.2); c.1722C>T, p.Leu574= (NM_001348729.2, NM_001348731.2, NM_001348734.2 and 3 more transcripts); c.1719C>T, p.Leu573= (NM_001348732.2, NM_001348735.2, NM_001348738.2 and 3 more transcripts); c.1593C>T, p.Leu531= (NM_001348736.2).
Identifiers: ClinVar variation 1959921 (VCV001959921.6), dbSNP rs2528022302, ClinGen allele CA424774316.

ClinVar aggregate classification (germline): Likely benign. Review status: criteria provided, multiple submitters, no conflicts (2 of 4 stars). 2 submissions from 2 submitters: Likely benign (2). Last evaluated 2025-11-26.

Conditions:
KIDINS220-related disorder. Also called: KIDINS220-related condition.

Allele frequency attached by ClinVar (database versions not stated): gnomAD exomes below 0.00001.
gnomAD v4.1: 2 of 1,614,140 alleles (0.00012%); highest among the groups gnomAD compares: Admixed American, 0.0017%; no homozygotes.

Submissions (2):

PreventionGenetics, part of Exact Sciences
Classification: Likely benign for KIDINS220-related condition. Last evaluated: 2025-11-26. Review status: criteria provided, single submitter. Criteria: ACMG Guidelines, 2015. Collection method: clinical testing. Allele origin: germline.
Comment: This variant is classified as likely benign based on ACMG/AMP sequence variant interpretation guidelines (Richards et al. 2015 PMID: 25741868, with internal and published modifications).

Labcorp Genetics (formerly Invitae), Labcorp
Classification: Likely benign. Last evaluated: 2024-01-22. Review status: criteria provided, single submitter. Criteria: Invitae Variant Classification Sherloc (09022015). Collection method: clinical testing. Allele origin: germline.